The following is an entry in ClinVar:

NM_018718.3(CEP41):c.880del (p.Leu294fs)

Gene: CEP41 (centrosomal protein 41; minus strand). Cytogenetic location: 7q32.2.
Variant type: Deletion.
Coding change: c.880del on transcript NM_018718.3 (MANE Select); coding-DNA position 880, one base deleted (C; older notation c.880delC).
Protein change: p.Leu294fs; shifts the reading frame from leucine 294.
Molecular consequence: frameshift variant. On other transcripts: non-coding transcript variant (1), intron variant (2).
Genome position (GRCh38, 1-based): chr7:130,400,132, G deleted on the plus strand (C on the coding strand, the reverse complement: CEP41 is on the minus strand); the first of 4 consecutive G bases (chr7:130,400,132-130,400,135); deleting any one gives the same sequence. VCF-style (leftmost placement, unchanged base first): chr7-130400131-AG-A. GRCh37 (hg19) VCF-style: chr7-130039972-AG-A.
Other names: c.709+575del (NM_001257159.2); c.757+575del (NM_001257158.2); short protein forms L294fs.
Identifiers: ClinVar variation 2740806 (VCV002740806.3), dbSNP rs782180322, ClinGen allele CA4485441.

ClinVar aggregate classification (germline): Pathogenic (1 of 4 stars; one submission).

Conditions:
Joubert syndrome 15 (JBTS15). Identifiers: Orphanet 475, MedGen C3280897, MONDO:0013763, OMIM 614464.

Submission:

Labcorp Genetics (formerly Invitae), Labcorp
Classification: Pathogenic for Joubert syndrome 15. Last evaluated: 2023-11-18. Review status: criteria provided, single submitter. Criteria: Invitae Variant Classification Sherloc (09022015). Collection method: clinical testing. Allele origin: germline.
Comment: This sequence change creates a premature translational stop signal (p.Leu294Tyrfs*14) in the CEP41 gene. It is expected to result in an absent or disrupted protein product. Loss-of-function variants in CEP41 are known to be pathogenic (PMID: 22246503). This variant is present in population databases (rs782180322, gnomAD 0.006%). This variant has not been reported in the literature in individuals affected with CEP41-related conditions. For these reasons, this variant has been classified as Pathogenic.

Literature cited by the submitters: PubMed 22246503.